The following is an entry in ClinVar:

ClinVar aggregate classification (germline): Uncertain significance (1 of 4 stars; one submission).

Conditions:
EPRS1-related disorder. Also called: EPRS1-related condition.

gnomAD v4.1: 3 of 1,552,740 alleles (0.00019%); highest among the groups gnomAD compares: Non-Finnish European, 0.00026%; no homozygotes.

Submission:

PreventionGenetics, part of Exact Sciences
Classification: Uncertain significance for EPRS1-related condition. Last evaluated: 2025-07-18. Review status: criteria provided, single submitter. Criteria: ACMG Guidelines, 2015. Collection method: clinical testing. Allele origin: germline.
Comment: The EPRS1 c.4245G>C variant is predicted to result in the amino acid substitution p.Arg1415Ser. To our knowledge, this variant has not been reported in the literature or in a large population database (gnomAD), indicating this variant is rare. At this time, the clinical significance of this variant is uncertain due to the absence of conclusive functional and genetic evidence.

NM_004446.3(EPRS1):c.4245G>C (p.Arg1415Ser)

Gene: EPRS1 (glutamyl-prolyl-tRNA synthetase 1; minus strand). Cytogenetic location: 1q41.
Variant type: single nucleotide variant.
Coding change: c.4245G>C on transcript NM_004446.3 (MANE Select); coding-DNA position 4245, G replaced by C.
Protein change: p.Arg1415Ser; replaces arginine 1415 with serine.
Molecular consequence: missense variant.
Genome position (GRCh38, 1-based): chr1:219,972,147, C>G on the plus strand (G>C on the coding strand, the complement: EPRS1 is on the minus strand). VCF-style: chr1-219972147-C-G. GRCh37 (hg19) VCF-style: chr1-220145489-C-G.
Other names: short protein forms R1415S.
Identifiers: ClinVar variation 4999587 (VCV004999587.1).